The following is an entry in ClinVar:

NM_000264.5(PTCH1):c.352G>C (p.Ala118Pro)

Gene: PTCH1 (patched 1; minus strand). Cytogenetic location: 9q22.32.
Variant type: single nucleotide variant.
Coding change: c.352G>C on transcript NM_000264.5 (MANE Select); coding-DNA position 352, G replaced by C.
Protein change: p.Ala118Pro; replaces alanine 118 with proline.
Molecular consequence: missense variant. On other transcripts: 5 prime UTR variant (4), non-coding transcript variant (1).
Genome position (GRCh38, 1-based): chr9:95,506,449, C>G on the plus strand (G>C on the coding strand, the complement: PTCH1 is on the minus strand). VCF-style: chr9-95506449-C-G. GRCh37 (hg19) VCF-style: chr9-98268731-C-G.
Other names: c.154G>C, p.Ala52Pro (NM_001083602.3, NM_001354919.2); c.349G>C, p.Ala117Pro (NM_001083603.3); c.-102G>C (NM_001083604.3, NM_001083605.3, NM_001083606.3 and 1 more transcripts); c.352G>C, p.Ala118Pro (NM_001354918.2); short protein forms A117P, A118P, A52P.
Identifiers: ClinVar variation 2878512 (VCV002878512.4), dbSNP rs2538382344, ClinGen allele CA374120219.

ClinVar aggregate classification (germline): Uncertain significance. Review status: criteria provided, multiple submitters, no conflicts (2 of 4 stars). 2 submissions from 2 submitters: Uncertain significance (2). Last evaluated 2025-12-09.

Conditions:
Gorlin syndrome. Also called: Nevoid Basal Cell Carcinoma Syndrome; Basal cell nevus syndrome. Identifiers: Orphanet 377, MedGen C0004779, MONDO:0007187.
Hereditary cancer-predisposing syndrome. Also called: Hereditary Cancer Syndrome; Hereditary neoplastic syndrome; Neoplastic Syndromes, Hereditary; Tumor predisposition. Identifiers: Orphanet 140162, MedGen C0027672, MeSH D009386, MONDO:0015356.

Submissions (2):

Ambry Genetics
Classification: Uncertain significance for Hereditary cancer-predisposing syndrome. Last evaluated: 2025-12-09. Review status: criteria provided, single submitter. Criteria: Ambry Variant Classification Scheme 2023. Collection method: clinical testing. Allele origin: germline.
Comment: The p.A118P variant (also known as c.352G>C), located in coding exon 2 of the PTCH1 gene, results from a G to C substitution at nucleotide position 352. The alanine at codon 118 is replaced by proline, an amino acid with highly similar properties. This amino acid position is conserved. In addition, this alteration is predicted to be deleterious by in silico analysis. Based on the available evidence, the clinical significance of this variant remains unclear.

Labcorp Genetics (formerly Invitae), Labcorp
Classification: Uncertain significance for Gorlin syndrome. Last evaluated: 2023-06-27. Review status: criteria provided, single submitter. Criteria: Invitae Variant Classification Sherloc (09022015). Collection method: clinical testing. Allele origin: germline.
Comment: In summary, the available evidence is currently insufficient to determine the role of this variant in disease. Therefore, it has been classified as a Variant of Uncertain Significance. Advanced modeling of protein sequence and biophysical properties (such as structural, functional, and spatial information, amino acid conservation, physicochemical variation, residue mobility, and thermodynamic stability) performed at Invitae indicates that this missense variant is not expected to disrupt PTCH1 protein function. This variant has not been reported in the literature in individuals affected with PTCH1-related conditions. This variant is not present in population databases (gnomAD no frequency). This sequence change replaces alanine, which is neutral and non-polar, with proline, which is neutral and non-polar, at codon 118 of the PTCH1 protein (p.Ala118Pro).